The following is an entry in ClinVar:

NM_002382.5(MAX):c.440A>G (p.Glu147Gly)

Gene: MAX (MYC associated transcriptional regulator X; minus strand). Cytogenetic location: 14q23.3.
Variant type: single nucleotide variant.
Coding change: c.440A>G on transcript NM_002382.5 (MANE Select); coding-DNA position 440, A replaced by G.
Protein change: p.Glu147Gly; replaces glutamic acid 147 with glycine.
Molecular consequence: missense variant. On other transcripts: 3 prime UTR variant (12), non-coding transcript variant (7), intron variant (2).
Genome position (GRCh38, 1-based): chr14:65,076,519, T>C on the plus strand (A>G on the coding strand, the complement: MAX is on the minus strand). VCF-style: chr14-65076519-T-C. GRCh37 (hg19) VCF-style: chr14-65543237-T-C.
Other names: c.251A>G, p.Glu84Gly (NM_001320415.2, NM_001407105.1, NM_001407106.1 and 1 more transcripts); c.440A>G, p.Glu147Gly (NM_001407094.1); c.413A>G, p.Glu138Gly (NM_001407095.1, NM_145112.3); c.*213A>G (NM_001407096.1, NM_001407099.1, NM_001407102.1 and 2 more transcripts); c.*229A>G (NM_001407097.1, NM_001407100.1, NM_001407101.1 and 4 more transcripts); c.332A>G, p.Glu111Gly (NM_001407098.1); c.239A>G, p.Glu80Gly (NM_001407111.1, NM_001407112.1); c.144+17189A>G (NM_001271069.2); and 1 more; short protein forms E147G, E80G, E138G, E111G, E84G.
Identifiers: ClinVar variation 5023927 (VCV005023927.1).
Genomic context (GRCh38, chr14:65,076,519, plus strand): 5'-GGCCTGCCCCGAGTGGCTTAGCTGGCCTCCATCCGGAGCTTCTTCCTGCTTTGGGGCTCT[T>C]CAGGCTCAGACTCCGAGCTGGAGTCCGAGCCCCCATCGAAGGCAGAGATGGTGCTGCCCT-3'
Protein context (NP_002373.3, residues 137-157): GSDSSSESEP[Glu147Gly]EPQSRKKLRM

ClinVar aggregate classification (germline): Uncertain significance (1 of 4 stars; one submission).

Conditions:
Hereditary cancer-predisposing syndrome. Also called: Neoplastic Syndromes, Hereditary; Tumor predisposition; Hereditary neoplastic syndrome; Hereditary Cancer Syndrome. Identifiers: Orphanet 140162, MedGen C0027672, MeSH D009386, MONDO:0015356.

Submission:

Ambry Genetics
Classification: Uncertain significance for Hereditary cancer-predisposing syndrome. Last evaluated: 2026-07-07. Review status: criteria provided, single submitter. Criteria: Ambry Variant Classification Scheme 2023. Collection method: clinical testing. Allele origin: germline.
Comment: The p.E147G variant (also known as c.440A>G), located in coding exon 5 of the MAX gene, results from an A to G substitution at nucleotide position 440. The glutamic acid at codon 147 is replaced by glycine, an amino acid with similar properties. This amino acid position is conserved. In addition, this alteration is predicted to be deleterious by in silico analysis. Based on the available evidence, the clinical significance of this variant remains unclear.